The following is an entry in ClinVar:

NM_006509.4(RELB):c.1669A>T (p.Met557Leu)

Gene: RELB (RELB proto-oncogene, NF-kB subunit; plus strand). Cytogenetic location: 19q13.32.
Variant type: single nucleotide variant.
Coding change: c.1669A>T on transcript NM_006509.4 (MANE Select); coding-DNA position 1669, A replaced by T.
Protein change: p.Met557Leu; replaces methionine 557 with leucine.
Molecular consequence: missense variant.
Genome position (GRCh38, 1-based): chr19:45,037,719, A>T. VCF-style: chr19-45037719-A-T. GRCh37 (hg19) VCF-style: chr19-45540977-A-T.
Other names: c.1660A>T, p.Met554Leu (NM_001411087.1); short protein forms M554L, M557L.
Identifiers: ClinVar variation 1716073 (VCV001716073.5), dbSNP rs983029542, ClinGen allele CA308906916.

ClinVar aggregate classification (germline): Uncertain significance (1 of 4 stars; one submission).

Allele frequency attached by ClinVar (database versions not stated): gnomAD exomes below 0.00001; TOPMed below 0.00001; gnomAD 0.00001.
gnomAD v4.1: 4 of 1,526,928 alleles (0.00026%); highest among the groups gnomAD compares: Non-Finnish European, 0.00035%; no homozygotes.

Submission:

Labcorp Genetics (formerly Invitae), Labcorp
Classification: Uncertain significance. Last evaluated: 2024-11-04. Review status: criteria provided, single submitter. Criteria: Invitae Variant Classification Sherloc (09022015). Collection method: clinical testing. Allele origin: germline.
Comment: This sequence change replaces methionine, which is neutral and non-polar, with leucine, which is neutral and non-polar, at codon 557 of the RELB protein (p.Met557Leu). This variant is not present in population databases (gnomAD no frequency). This variant has not been reported in the literature in individuals affected with RELB-related conditions. ClinVar contains an entry for this variant (Variation ID: 1716073). An algorithm developed to predict the effect of missense changes on protein structure and function (PolyPhen-2) suggests that this variant is likely to be disruptive. In summary, the available evidence is currently insufficient to determine the role of this variant in disease. Therefore, it has been classified as a Variant of Uncertain Significance.